The following is an entry in ClinVar:

ClinVar aggregate classification (germline): Pathogenic/Likely pathogenic. Review status: criteria provided, multiple submitters, no conflicts (2 of 4 stars). 3 submissions from 3 submitters: Pathogenic (1); Likely pathogenic (2). Last evaluated 2024-03-04.

Conditions:
Marfan syndrome (MFS). Also called: Marfan syndrome type 1; Marfan's syndrome; FBN1-Related Marfan Syndrome; MARFAN SYNDROME, TYPE I; Marfan syndrome, classic. Identifiers: Orphanet 284963, Orphanet 558, MedGen C0024796, MONDO:0007947, OMIM 154700.
Marfan Syndrome/Loeys-Dietz Syndrome/Familial Thoracic Aortic Aneurysms and Dissections. Identifiers: MedGen CN229799.
Familial thoracic aortic aneurysm and aortic dissection (TAAD). Also called: Thoracic aortic aneurysms and dissections. Identifiers: Orphanet 91387, MedGen C4707243, MONDO:0019625.

Submissions (3):

Labcorp Genetics (formerly Invitae), Labcorp
Classification: Pathogenic for Marfan syndrome; Familial thoracic aortic aneurysm and aortic dissection. Last evaluated: 2024-03-04. Review status: criteria provided, single submitter. Criteria: Invitae Variant Classification Sherloc (09022015). Collection method: clinical testing. Allele origin: germline.
Comment: This sequence change replaces cysteine, which is neutral and slightly polar, with tyrosine, which is neutral and polar, at codon 166 of the FBN1 protein (p.Cys166Tyr). This variant is not present in population databases (gnomAD no frequency). This missense change has been observed in individual(s) with clinical features of Marfan syndrome (PMID: 31098894). ClinVar contains an entry for this variant (Variation ID: 1331456). Advanced modeling of protein sequence and biophysical properties (such as structural, functional, and spatial information, amino acid conservation, physicochemical variation, residue mobility, and thermodynamic stability) performed at Invitae indicates that this missense variant is expected to disrupt FBN1 protein function with a positive predictive value of 95%. This variant affects a cysteine residue in the EGF-like, TGFBP or hybrid motif domains of FBN1. Cysteine residues are believed to be involved in intramolecular disulfide bridges and have been shown to be important for FBN1 protein structure (PMID: 16905551, 19349279). In addition, missense substitutions affecting cysteine residues within these domains are significantly overrepresented among patients with Marfan syndrome (PMID: 16571647, 17701892). This variant disrupts the p.Cys166 amino acid residue in FBN1. Other variant(s) that disrupt this residue have been observed in individuals with FBN1-related conditions (PMID: 7611299, 14695540), which suggests that this may be a clinically significant amino acid residue. For these reasons, this variant has been classified as Pathogenic.

Women's Health and Genetics/Laboratory Corporation of America, LabCorp
Classification: Likely pathogenic for Marfan Syndrome/Loeys-Dietz Syndrome/Familial Thoracic Aortic Aneurysms and Dissections. Last evaluated: 2021-12-20. Review status: criteria provided, single submitter. Criteria: LabCorp Variant Classification Summary - May 2015. Collection method: clinical testing. Allele origin: germline.
Comment: Variant summary: FBN1 c.497G>A (p.Cys166Tyr) results in a non-conservative amino acid change located in the EGF-like domain (IPR000742) of the encoded protein sequence. Five of five in-silico tools predict a damaging effect of the variant on protein function. "The sulfhydryl group of cysteine is unique in its ability to participate in disulfide covalent cross-linkage. In fact, two-thirds of fibrillin cysteine residues exist in the half-cystinyl form, suggesting their participation in intramolecular disulfide linkage (Dietz_1992)". Therefore, the substitution of a cysteine may disrupt the structure of the FBN1 protein, affecting its function. The variant was absent in 251386 control chromosomes, however the available data on variant occurrences in the general population are insufficient to allow any conclusion about variant significance. c.497G>A has been reported in the literature in an individual affected with Marfan Syndrome (example: Li_2019). Other variants at Cys166 have been reported in HGMD in association with Marfan Syndrome (C166R, C166F, C166S). To our knowledge, no experimental evidence demonstrating an impact on protein function has been reported. No ClinVar submitters have assessed this variant since 2014. Based on the evidence outlined above, the variant was classified as likely pathogenic.

Juno Genomics, Hangzhou Juno Genomics, Inc
Classification: Likely pathogenic for Marfan syndrome. Review status: criteria provided, single submitter. Criteria: ACMG Guidelines, 2015. Collection method: clinical testing. Allele origin: germline. Affected: yes.
Comment: Absent from controls (or at extremely low frequency if recessive) in Genome Aggregation Database, Exome Sequencing Project, 1000 Genomes Project, or Exome Aggregation Consortium.;Multiple lines of computational evidence support a deleterious effect on the gene or gene product (conservation, evolutionary, splicing impact, etc).;Missense variant in a gene that has a low rate of benign missense variation and where missense variants are a common mechanism of disease.;The prevalence of the variant in affected individuals is significantly increased compared to the prevalence in controls.;Patient's phenotype or family history is highly specific for a disease with a single genetic etiology.

Literature cited by the submitters: PubMed 31098894 (cited by Labcorp Genetics (formerly Invitae), Labcorp and Women's Health and Genetics/Laboratory Corporation of America, LabCorp); PubMed 16905551 (cited by Labcorp Genetics (formerly Invitae), Labcorp); PubMed 19349279 (cited by Labcorp Genetics (formerly Invitae), Labcorp); PubMed 16571647 (cited by Labcorp Genetics (formerly Invitae), Labcorp); PubMed 17701892 (cited by Labcorp Genetics (formerly Invitae), Labcorp); PubMed 7611299 (cited by Labcorp Genetics (formerly Invitae), Labcorp); PubMed 14695540 (cited by Labcorp Genetics (formerly Invitae), Labcorp).

NM_000138.5(FBN1):c.497G>A (p.Cys166Tyr)

Gene: FBN1 (fibrillin 1; minus strand). Cytogenetic location: 15q21.1.
Variant type: single nucleotide variant.
Coding change: c.497G>A on transcript NM_000138.5 (MANE Select); coding-DNA position 497, G replaced by A.
Protein change: p.Cys166Tyr; replaces cysteine 166 with tyrosine.
Molecular consequence: missense variant.
Genome position (GRCh38, 1-based): chr15:48,596,324, C>T on the plus strand (G>A on the coding strand, the complement: FBN1 is on the minus strand). VCF-style: chr15-48596324-C-T. GRCh37 (hg19) VCF-style: chr15-48888521-C-T.
Other names: short protein forms C166Y.
Identifiers: ClinVar variation 1331456 (VCV001331456.9), dbSNP rs397515818, ClinGen allele CA392446311.